The following is an entry in ClinVar:

ClinVar aggregate classification (germline): Pathogenic (1 of 4 stars; one submission).

Submission:

Labcorp Genetics (formerly Invitae), Labcorp
Classification: Pathogenic. Last evaluated: 2022-07-17. Review status: criteria provided, single submitter. Criteria: Invitae Variant Classification Sherloc (09022015). Collection method: clinical testing. Allele origin: germline.
Comment: For these reasons, this variant has been classified as Pathogenic. This variant disrupts a region of the HACD1 protein in which other variant(s) (p.Tyr248*) have been determined to be pathogenic (PMID: 23933735). This suggests that this is a clinically significant region of the protein, and that variants that disrupt it are likely to be disease-causing. This variant has not been reported in the literature in individuals affected with HACD1-related conditions. This variant is a gross deletion of the genomic region encompassing exon(s) 2-7 of the HACD1 gene, which includes the termination codon. This deletion extends beyond the assayed region for this gene and therefore may encompass additional genes. While this deletion is not anticipated to lead to nonsense mediated decay, it is expected to alter mRNA translation or result in a truncated protein product.

Literature cited by the submitters: PubMed 23933735.

NC_000010.10:g.(?_17632363)_(17646066_?)del

Gene: HACD1 (3-hydroxyacyl-CoA dehydratase 1; minus strand). Cytogenetic location: 10p12.33.
Variant type: Deletion.
Identifiers: ClinVar variation 2425917 (VCV002425917.4).